The following is an entry in ClinVar:

NM_000147.4(FUCA1):c.-355G>C

Gene: FUCA1 (alpha-L-fucosidase 1; minus strand). Cytogenetic location: 1p36.11.
Variant type: single nucleotide variant.
Coding change: c.-355G>C on transcript NM_000147.4; 355 bases upstream of the start codon, G replaced by C.
Genome position (GRCh38, 1-based): chr1:23,868,641, C>G on the plus strand (G>C on the coding strand, the complement: FUCA1 is on the minus strand). VCF-style: chr1-23868641-C-G. GRCh37 (hg19) VCF-style: chr1-24195131-C-G.
Identifiers: ClinVar variation 683913 (VCV000683913.3), dbSNP rs3003320, ClinGen allele CA15091023.

ClinVar aggregate classification (germline): Benign (1 of 4 stars; one submission).

Allele frequency attached by ClinVar (database versions not stated): 1000 Genomes Project 30x 0.14257; gnomAD 0.10053; TOPMed 0.11227; 1000 Genomes Project 0.14297.

Submission:

GeneDx
Classification: Benign. Last evaluated: 2018-06-19. Review status: criteria provided, single submitter. Criteria: GeneDx Variant Classification (06012015). Collection method: clinical testing. Allele origin: germline. Affected: yes.
Comment: This variant is considered likely benign or benign based on one or more of the following criteria: it is a conservative change, it occurs at a poorly conserved position in the protein, it is predicted to be benign by multiple in silico algorithms, and/or has population frequency not consistent with disease.